The following is an entry in ClinVar:

ClinVar aggregate classification (germline): Uncertain significance (1 of 4 stars; one submission).

Allele frequency attached by ClinVar (database versions not stated): gnomAD exomes below 0.00001; ExAC 0.00001.
gnomAD v4.1: 1 of 1,613,992 alleles (0.000062%); highest among the groups gnomAD compares: Non-Finnish European, 0.000085%; no homozygotes.

Submission:

Labcorp Genetics (formerly Invitae), Labcorp
Classification: Uncertain significance. Last evaluated: 2022-09-01. Review status: criteria provided, single submitter. Criteria: Invitae Variant Classification Sherloc (09022015). Collection method: clinical testing. Allele origin: germline.
Comment: In summary, the available evidence is currently insufficient to determine the role of this variant in disease. Therefore, it has been classified as a Variant of Uncertain Significance. Algorithms developed to predict the effect of missense changes on protein structure and function are either unavailable or do not agree on the potential impact of this missense change (SIFT: "Deleterious"; PolyPhen-2: "Probably Damaging"; Align-GVGD: "Class C0"). This variant has not been reported in the literature in individuals affected with NDUFB8-related conditions. This variant is present in population databases (rs756739746, gnomAD 0.0009%). This sequence change replaces tryptophan, which is neutral and slightly polar, with serine, which is neutral and polar, at codon 101 of the NDUFB8 protein (p.Trp101Ser).

NM_005004.4(NDUFB8):c.302G>C (p.Trp101Ser)

Gene: NDUFB8 (NADH:ubiquinone oxidoreductase subunit B8; minus strand). Cytogenetic location: 10q24.31.
Variant type: single nucleotide variant.
Coding change: c.302G>C on transcript NM_005004.4 (MANE Select); coding-DNA position 302, G replaced by C.
Protein change: p.Trp101Ser; replaces tryptophan 101 with serine.
Molecular consequence: missense variant.
Genome position (GRCh38, 1-based): chr10:100,526,985, C>G on the plus strand (G>C on the coding strand, the complement: NDUFB8 is on the minus strand). VCF-style: chr10-100526985-C-G. GRCh37 (hg19) VCF-style: chr10-102286742-C-G.
Other names: c.302G>C, p.Trp101Ser (NM_001284367.2); c.209G>C, p.Trp70Ser (NM_001284368.1); short protein forms W101S, W70S.
Identifiers: ClinVar variation 2072186 (VCV002072186.4), dbSNP rs756739746, ClinGen allele CA5650188.